The following is an entry in ClinVar:

NM_003482.4(KMT2D):c.794G>A (p.Arg265His)

Gene: KMT2D (lysine methyltransferase 2D; minus strand). Cytogenetic location: 12q13.12.
Variant type: single nucleotide variant.
Coding change: c.794G>A on transcript NM_003482.4 (MANE Select); coding-DNA position 794, G replaced by A.
Protein change: p.Arg265His; replaces arginine 265 with histidine.
Molecular consequence: missense variant.
Genome position (GRCh38, 1-based): chr12:49,053,521, C>T on the plus strand (G>A on the coding strand, the complement: KMT2D is on the minus strand). VCF-style: chr12-49053521-C-T. GRCh37 (hg19) VCF-style: chr12-49447304-C-T.
Other names: short protein forms R265H.
Identifiers: ClinVar variation 2224659 (VCV002224659.6), dbSNP rs201231484, ClinGen allele CA6548654.

ClinVar aggregate classification (germline): Conflicting classifications of pathogenicity. Review status: criteria provided, conflicting classifications (1 of 4 stars). 3 submissions from 3 submitters: Uncertain significance (1); Likely benign (2). Last evaluated 2026-04-24.

Conditions:
Inborn genetic diseases. Identifiers: MedGen C0950123, MeSH D030342.
KMT2D-related disorder. Also called: KMT2D-Related Disorders.
Kabuki syndrome. Also called: NIIKAWA-KUROKI SYNDROME; Kabuki make-up syndrome. Identifiers: Orphanet 2322, MedGen C0796004, MONDO:0016512.

Allele frequency attached by ClinVar (database versions not stated): TOPMed below 0.00001; ExAC 0.00001; ESP Exome Variant Server 0.00008.
gnomAD v4.1: 7 of 1,606,310 alleles (0.00044%); highest among the groups gnomAD compares: South Asian, 0.0011%; no homozygotes.

Submissions (3):

PreventionGenetics, part of Exact Sciences
Classification: Likely benign for KMT2D-related condition. Last evaluated: 2026-04-24. Review status: criteria provided, single submitter. Criteria: ACMG Guidelines, 2015. Collection method: clinical testing. Allele origin: germline.
Comment: This variant is classified as likely benign based on ACMG/AMP sequence variant interpretation guidelines (Richards et al. 2015 PMID: 25741868, with internal and published modifications).

Labcorp Genetics (formerly Invitae), Labcorp
Classification: Likely benign for Kabuki syndrome. Last evaluated: 2024-10-23. Review status: criteria provided, single submitter. Criteria: Invitae Variant Classification Sherloc (09022015). Collection method: clinical testing. Allele origin: germline.

Ambry Genetics
Classification: Uncertain significance for Inborn genetic diseases. Last evaluated: 2022-09-21. Review status: criteria provided, single submitter. Criteria: Ambry Variant Classification Scheme 2023. Collection method: clinical testing. Allele origin: germline.